The following is an entry in ClinVar:

NM_000834.5(GRIN2B):c.4330_4332del (p.Lys1444del)

Gene: GRIN2B (glutamate ionotropic receptor NMDA type subunit 2B; minus strand). Cytogenetic location: 12p13.1.
Variant type: Deletion.
Coding change: c.4330_4332del on transcript NM_000834.5 (MANE Select); coding-DNA positions 4330 to 4332, 3 bases deleted (AAG; older notation c.4330_4332delAAG).
Protein change: p.Lys1444del; deletes lysine 1444.
Molecular consequence: inframe deletion. On other transcripts: inframe indel (1).
Genome position (GRCh38, 1-based): chr12:13,562,906-13,562,908, CTT deleted on the plus strand (AAG on the coding strand, the reverse complement: GRIN2B is on the minus strand); deleting any 3 consecutive bases within chr12:13,562,906-13,562,910 gives the same sequence; the c. name uses the placement nearest the transcript's 3' end. VCF-style (leftmost placement, unchanged base first): chr12-13562905-CCTT-C. GRCh37 (hg19) VCF-style: chr12-13715839-CCTT-C.
Other names: c.4328_4330delAGA, p.Lys1444del (NM_001413992.1); short protein forms K1444del.
Identifiers: ClinVar variation 2128457 (VCV002128457.4), dbSNP rs2497464535, ClinGen allele CA2580085169.

ClinVar aggregate classification (germline): Uncertain significance (1 of 4 stars; one submission).

Conditions:
Developmental and epileptic encephalopathy, 27 (DEE27). Also called: GRIN2B-Related Neurodevelopmental Disorder; Epileptic encephalopathy, early infantile, 27. Identifiers: Orphanet 3451, MedGen C4015316, MONDO:0014505, OMIM 616139.
Intellectual developmental disorder, autosomal dominant 6, with or without seizures. Also called: Intellectual disability, autosomal dominant 6; GRIN2B-related developmental delay, intellectual disability and autism spectrum disorder. Identifiers: Orphanet 589547, MedGen C3151411, MONDO:0013509, OMIM 613970.

Submission:

Labcorp Genetics (formerly Invitae), Labcorp
Classification: Uncertain significance for Developmental and epileptic encephalopathy, 27; Intellectual developmental disorder, autosomal dominant 6, with or without seizures. Last evaluated: 2023-07-17. Review status: criteria provided, single submitter. Criteria: Invitae Variant Classification Sherloc (09022015). Collection method: clinical testing. Allele origin: germline.
Comment: In summary, the available evidence is currently insufficient to determine the role of this variant in disease. Therefore, it has been classified as a Variant of Uncertain Significance. Experimental studies and prediction algorithms are not available or were not evaluated, and the functional significance of this variant is currently unknown. ClinVar contains an entry for this variant (Variation ID: 2128457). This variant has not been reported in the literature in individuals affected with GRIN2B-related conditions. This variant is not present in population databases (gnomAD no frequency). This variant, c.4330_4332del, results in the deletion of 1 amino acid(s) of the GRIN2B protein (p.Lys1444del), but otherwise preserves the integrity of the reading frame.